The following is an entry in ClinVar:

ClinVar aggregate classification (germline): Uncertain significance (1 of 4 stars; one submission).

Conditions:
Inborn genetic diseases. Identifiers: MedGen C0950123, MeSH D030342.

Submission:

Ambry Genetics
Classification: Uncertain significance for Inborn genetic diseases. Last evaluated: 2025-11-22. Review status: criteria provided, single submitter. Criteria: Ambry Variant Classification Scheme 2023. Collection method: clinical testing. Allele origin: germline.
Comment: The p.K261R variant (also known as c.782A>G), located in coding exon 7 of the CEP57 gene, results from an A to G substitution at nucleotide position 782. The lysine at codon 261 is replaced by arginine, an amino acid with highly similar properties. This amino acid position is conserved. In addition, this alteration is predicted to be tolerated by in silico analysis. Based on the available evidence, the clinical significance of this variant remains unclear.

NM_014679.5(CEP57):c.782A>G (p.Lys261Arg)

Gene: CEP57 (centrosomal protein 57; plus strand). Cytogenetic location: 11q21.
Variant type: single nucleotide variant.
Coding change: c.782A>G on transcript NM_014679.5 (MANE Select); coding-DNA position 782, A replaced by G.
Protein change: p.Lys261Arg; replaces lysine 261 with arginine.
Molecular consequence: missense variant. On other transcripts: intron variant (5).
Genome position (GRCh38, 1-based): chr11:95,821,953, A>G. VCF-style: chr11-95821953-A-G. GRCh37 (hg19) VCF-style: chr11-95555117-A-G.
Other names: c.755A>G, p.Lys252Arg (NM_001243776.2); c.782A>G, p.Lys261Arg (NM_001243777.2); c.701A>G, p.Lys234Arg (NM_001363604.2, NM_001440869.1, NM_001440870.1); c.665A>G, p.Lys222Arg (NM_001440872.1, NM_001440876.1); c.602A>G, p.Lys201Arg (NM_001440873.1); c.584A>G, p.Lys195Arg (NM_001440877.1, NM_001440878.1); c.521A>G, p.Lys174Arg (NM_001440880.1); c.485A>G, p.Lys162Arg (NM_001440881.1); and 5 more; short protein forms K162R, K234R, K252R, K174R, K201R, K222R, K195R, K261R.
Identifiers: ClinVar variation 4613693 (VCV004613693.1).